The following is an entry in ClinVar:

NM_000238.4(KCNH2):c.122T>C (p.Val41Ala)

Gene: KCNH2 (potassium voltage-gated channel subfamily H member 2; minus strand). Cytogenetic location: 7q36.1.
Variant type: single nucleotide variant.
Coding change: c.122T>C on transcript NM_000238.4 (MANE Select); coding-DNA position 122, T replaced by C.
Protein change: p.Val41Ala; replaces valine 41 with alanine.
Molecular consequence: missense variant.
Genome position (GRCh38, 1-based): chr7:150,974,896, A>G on the plus strand (T>C on the coding strand, the complement: KCNH2 is on the minus strand). VCF-style: chr7-150974896-A-G. GRCh37 (hg19) VCF-style: chr7-150671984-A-G.
Other names: c.122T>C (LRG_288t1); c.-56T>C (NM_001406755.1); c.122T>C, p.Val41Ala (NM_172056.3); short protein forms V41A.
Identifiers: ClinVar variation 67169 (VCV000067169.3), dbSNP rs731506, ClinGen allele CA004307.
Genomic context (GRCh38, chr7:150,974,896, plus strand): 5'-TGCATCACCTCGGCCCGCGAGTAGCCGCACAGCTCGCAGAAGCCGTCGTTGCAGTAGATG[A>G]CGGCGCAGTTCTCCACCCGAGCGTTGGCGATGATGAACTTACGGCCTAGGGGGGCGGGGA-3'
Protein context (NP_000229.1, residues 31-51): IANARVENCA[Val41Ala]IYCNDGFCEL

ClinVar aggregate classification (germline): not provided (0 of 4 stars; one submission).

Conditions:
Familial long QT syndrome (RWS). Also called: Congenital long QT syndrome; Romano-Ward syndrome; VENTRICULAR FIBRILLATION WITH PROLONGED QT INTERVAL. Identifiers: Orphanet 768, MedGen C1141890, MONDO:0019171.

Submission:

Cardiovascular Biomedical Research Unit, Royal Brompton & Harefield NHS Foundation Trust
No classification provided. Condition: Familial long QT syndrome. Review status: no classification provided. Collection method: literature only. Allele origin: germline.
Comment: This variant has been reported as associated with Long QT syndrome in the following publications (PMID:18441445). This is a literature report, and does not necessarily reflect the clinical interpretation of the Imperial College / Royal Brompton Cardiovascular Genetics laboratory.

Literature cited by the submitters: PubMed 18441445; PubMed 22581653.